The following is an entry in ClinVar:

ClinVar aggregate classification (germline): Uncertain significance (0 of 4 stars; one submission).

Conditions:
SEMA3C-related disorder. Also called: SEMA3C-related condition.

gnomAD v4.1: 6 of 1,613,410 alleles (0.00037%); highest among the groups gnomAD compares: Admixed American, 0.0017%; no homozygotes.

Submission:

PreventionGenetics, part of Exact Sciences
Classification: Uncertain significance for SEMA3C-related condition. Last evaluated: 2024-03-20. Review status: no assertion criteria provided. Collection method: clinical testing. Allele origin: germline.
Comment: The SEMA3C c.1705C>T variant is predicted to result in premature protein termination (p.Arg569*). To our knowledge, this variant has not been reported in the literature. This variant is reported in 0.0029% of alleles in individuals of Latino descent in gnomAD. Loss of function variants have not commonly been reported as causative of disease. At this time, the clinical significance of this variant is uncertain due to the absence of conclusive functional and genetic evidence.

NM_006379.5(SEMA3C):c.1651C>T (p.Arg551Ter)

Gene: SEMA3C (semaphorin 3C; minus strand). Cytogenetic location: 7q21.11.
Variant type: single nucleotide variant.
Coding change: c.1651C>T on transcript NM_006379.5 (MANE Select); coding-DNA position 1651, C replaced by T.
Protein change: p.Arg551Ter; replaces arginine 551 with a stop codon.
Molecular consequence: nonsense.
Genome position (GRCh38, 1-based): chr7:80,751,329, G>A on the plus strand (C>T on the coding strand, the complement: SEMA3C is on the minus strand). VCF-style: chr7-80751329-G-A. GRCh37 (hg19) VCF-style: chr7-80380645-G-A.
Other names: c.1705C>T, p.Arg569Ter (NM_001350120.2); c.1477C>T, p.Arg493Ter (NM_001350121.2); short protein forms R493*, R551*, R569*.
Identifiers: ClinVar variation 3356750 (VCV003356750.1).